The following is an entry in ClinVar:

NM_139057.4(ADAMTS17):c.1876G>A (p.Val626Met)

Gene: ADAMTS17 (ADAM metallopeptidase with thrombospondin type 1 motif 17; minus strand). Cytogenetic location: 15q26.3.
Variant type: single nucleotide variant.
Coding change: c.1876G>A on transcript NM_139057.4 (MANE Select); coding-DNA position 1876, G replaced by A.
Protein change: p.Val626Met; replaces valine 626 with methionine.
Molecular consequence: missense variant.
Genome position (GRCh38, 1-based): chr15:100,116,859, C>T on the plus strand (G>A on the coding strand, the complement: ADAMTS17 is on the minus strand). VCF-style: chr15-100116859-C-T. GRCh37 (hg19) VCF-style: chr15-100657064-C-T.
Other names: short protein forms V626M.
Identifiers: ClinVar variation 2419430 (VCV002419430.3), dbSNP rs761568437, ClinGen allele CA7758030.
Genomic context (GRCh38, chr15:100,116,859, plus strand): 5'-AGGGGAGGACAGGAGGCTGCCATGCAAGGACATGCCATATGCCTTTACCGTCAACCACCA[C>T]GGCTGTCAGCAGGCCTTTCTTCTTGGGGCTCAGCCGGTCGTGTGCCTGGCACTGCTGGTC-3'
Protein context (NP_620688.2, residues 616-636): SPKKKGLLTA[Val626Met]VVDDKPCELY

ClinVar aggregate classification (germline): Uncertain significance (1 of 4 stars; one submission).

gnomAD v4.1: 16 of 1,614,146 alleles (0.00099%); highest among the groups gnomAD compares: East Asian, 0.018%; no homozygotes.

Submission:

Labcorp Genetics (formerly Invitae), Labcorp
Classification: Uncertain significance. Last evaluated: 2022-05-05. Review status: criteria provided, single submitter. Criteria: Invitae Variant Classification Sherloc (09022015). Collection method: clinical testing. Allele origin: germline.
Comment: This sequence change replaces valine, which is neutral and non-polar, with methionine, which is neutral and non-polar, at codon 626 of the ADAMTS17 protein (p.Val626Met). This variant is present in population databases (rs761568437, gnomAD 0.04%). This variant has not been reported in the literature in individuals affected with ADAMTS17-related conditions. Algorithms developed to predict the effect of missense changes on protein structure and function are either unavailable or do not agree on the potential impact of this missense change (SIFT: "Not Available"; PolyPhen-2: "Benign"; Align-GVGD: "Not Available"). In summary, the available evidence is currently insufficient to determine the role of this variant in disease. Therefore, it has been classified as a Variant of Uncertain Significance.